The following is an entry in ClinVar:

NM_022725.4(FANCF):c.125G>A (p.Arg42His)

Gene: FANCF (FA complementation group F; minus strand). Cytogenetic location: 11p14.3.
Variant type: single nucleotide variant.
Coding change: c.125G>A on transcript NM_022725.4 (MANE Select); coding-DNA position 125, G replaced by A.
Protein change: p.Arg42His; replaces arginine 42 with histidine.
Molecular consequence: missense variant.
Genome position (GRCh38, 1-based): chr11:22,625,686, C>T on the plus strand (G>A on the coding strand, the complement: FANCF is on the minus strand). VCF-style: chr11-22625686-C-T. GRCh37 (hg19) VCF-style: chr11-22647232-C-T.
Other names: short protein forms R42H.
Identifiers: ClinVar variation 4811856 (VCV004811856.1).

ClinVar aggregate classification (germline): Uncertain significance (1 of 4 stars; one submission).

Conditions:
Fanconi anemia (FA). Also called: Fanconi's anemia. Identifiers: Orphanet 84, MedGen C0015625, MeSH D005199, MONDO:0019391.

gnomAD v4.1: 1 of 1,614,006 alleles (0.000062%); highest among the groups gnomAD compares: Non-Finnish European, 0.000085%; no homozygotes.

Submission:

Labcorp Genetics (formerly Invitae), Labcorp
Classification: Uncertain significance for Fanconi anemia. Last evaluated: 2025-04-16. Review status: criteria provided, single submitter. Criteria: Invitae Variant Classification Sherloc (09022015). Collection method: clinical testing. Allele origin: germline.
Comment: This sequence change replaces arginine, which is basic and polar, with histidine, which is basic and polar, at codon 42 of the FANCF protein (p.Arg42His). This variant is not present in population databases (gnomAD no frequency). This variant has not been reported in the literature in individuals affected with FANCF-related conditions. Invitae Evidence Modeling of protein sequence and biophysical properties (such as structural, functional, and spatial information, amino acid conservation, physicochemical variation, residue mobility, and thermodynamic stability) indicates that this missense variant is expected to disrupt FANCF protein function with a positive predictive value of 80%. In summary, the available evidence is currently insufficient to determine the role of this variant in disease. Therefore, it has been classified as a Variant of Uncertain Significance.